The following is an entry in ClinVar:

NM_024301.5(FKRP):c.1429del (p.Val477fs)

Gene: FKRP (fukutin related protein; plus strand). Cytogenetic location: 19q13.32.
Variant type: Deletion.
Coding change: c.1429del on transcript NM_024301.5 (MANE Select); coding-DNA position 1429, one base deleted (G; older notation c.1429delG).
Protein change: p.Val477fs; shifts the reading frame from valine 477.
Molecular consequence: frameshift variant.
Genome position (GRCh38, 1-based): chr19:46,756,879, G deleted; the last of 4 consecutive G bases (chr19:46,756,876-46,756,879); deleting any one gives the same sequence. VCF-style (leftmost placement, unchanged base first): chr19-46756875-CG-C. GRCh37 (hg19) VCF-style: chr19-47260132-CG-C.
Other names: c.1429del, p.Val477fs (NM_001039885.3); short protein forms V477fs.
Identifiers: ClinVar variation 2854026 (VCV002854026.3), dbSNP rs2514000241, ClinGen allele CA2739276903.

ClinVar aggregate classification (germline): Pathogenic (1 of 4 stars; one submission).

Conditions:
Walker-Warburg congenital muscular dystrophy. Also called: Muscular dystrophy-dystroglycanopathy, type A; Walker-Warburg syndrome. Identifiers: Orphanet 899, MedGen C0265221, MONDO:0000171.

Submission:

Labcorp Genetics (formerly Invitae), Labcorp
Classification: Pathogenic for Walker-Warburg congenital muscular dystrophy. Last evaluated: 2023-04-09. Review status: criteria provided, single submitter. Criteria: Invitae Variant Classification Sherloc (09022015). Collection method: clinical testing. Allele origin: germline.
Comment: For these reasons, this variant has been classified as Pathogenic. This variant disrupts a region of the FKRP protein in which other variant(s) (p.Ile478Thr) have been determined to be pathogenic (PMID: 16476814, 18639457, 19299310). This suggests that this is a clinically significant region of the protein, and that variants that disrupt it are likely to be disease-causing. This variant has not been reported in the literature in individuals affected with FKRP-related conditions. This variant is not present in population databases (gnomAD no frequency). This sequence change creates a premature translational stop signal (p.Val477Serfs*13) in the FKRP gene. While this is not anticipated to result in nonsense mediated decay, it is expected to disrupt the last 19 amino acid(s) of the FKRP protein.

Literature cited by the submitters: PubMed 16476814; PubMed 18639457; PubMed 19299310.